The following is an entry in ClinVar:

NM_000038.6(APC):c.423-3167T>A

Gene: APC (APC regulator of WNT signaling pathway; plus strand). Cytogenetic location: 5q22.2.
Variant type: single nucleotide variant.
Coding change: c.423-3167T>A on transcript NM_000038.6 (MANE Select); 3167 bases into the intron before coding-DNA position 423, T replaced by A.
Molecular consequence: intron variant.
Genome position (GRCh38, 1-based): chr5:112,772,462, T>A. VCF-style: chr5-112772462-T-A. GRCh37 (hg19) VCF-style: chr5-112108159-T-A.
Other names: c.423-3167T>A (NM_001354895.2, NM_001127510.3, NM_001354896.2 and 2 more transcripts); c.453-3167T>A (NM_001354897.2, NM_001354902.2, NM_001127511.3); c.348-3167T>A (NM_001354898.2, NM_001354904.2); c.-613-3167T>A (NM_001354906.2); c.246-3167T>A (NM_001354900.2, NM_001354901.2, NM_001354905.2).
Identifiers: ClinVar variation 82891 (VCV000082891.2), dbSNP rs78042804, ClinGen allele CA009274.
Genomic context (GRCh38, chr5:112,772,462, plus strand): 5'-GGTTAATCTTAAACTTGATAGTAGCAAATTGTCCCTAGTGTCCCTAACCTCCCCCTTACT[T>A]CAACACTGCCACTGACATTGGCCTGTCAATTTAAGCACTTTTAATGCCCAGCTCTTTTTT-3'

ClinVar aggregate classification (germline): other (0 of 4 stars; one submission).

Conditions:
Familial colorectal cancer. Identifiers: MedGen CN280943, MONDO:0023113. Disease mechanism: loss of function.

Submission:

Systems Biology Platform Zhejiang California International NanoSystems Institute
Classification: other for Familial colorectal cancer. Review status: no assertion criteria provided. Collection method: not provided. Allele origin: unknown.
ClinVar note: Converted during submission from cancer to other.